The following is an entry in ClinVar:

ClinVar aggregate classification (germline): Likely benign. Review status: criteria provided, multiple submitters, no conflicts (2 of 4 stars). 2 submissions from 2 submitters: Likely benign (2). Last evaluated 2019-08-30.

Conditions:
Hereditary cancer-predisposing syndrome. Also called: Tumor predisposition; Hereditary neoplastic syndrome; Neoplastic Syndromes, Hereditary; Hereditary Cancer Syndrome. Identifiers: Orphanet 140162, MedGen C0027672, MeSH D009386, MONDO:0015356.

Submissions (2):

Ambry Genetics
Classification: Likely benign for Hereditary cancer-predisposing syndrome. Last evaluated: 2019-08-30. Review status: criteria provided, single submitter. Criteria: Ambry Variant Classification Scheme 2023. Collection method: clinical testing. Allele origin: germline.

GeneDx
Classification: Likely benign. Last evaluated: 2015-11-16. Review status: criteria provided, single submitter. Criteria: GeneDx Variant Classification (06012015). Collection method: clinical testing. Allele origin: germline. Affected: yes.
Comment: This variant is considered likely benign or benign based on one or more of the following criteria: it is a conservative change, it occurs at a poorly conserved position in the protein, it is predicted to be benign by multiple in silico algorithms, and/or has population frequency not consistent with disease.

NM_002878.4(RAD51D):c.654T>A (p.Gly218=)

Genes: RAD51D (RAD51 paralog D; minus strand), RAD51L3-RFFL (RAD51L3-RFFL readthrough; minus strand). Cytogenetic location: 17q12.
Variant type: single nucleotide variant.
Coding change: c.654T>A on transcript NM_002878.4 (MANE Select); coding-DNA position 654, T replaced by A.
Protein change: p.Gly218=; no amino-acid change (glycine 218 retained).
Molecular consequence: synonymous variant. On other transcripts: non-coding transcript variant (3).
Genome position (GRCh38, 1-based): chr17:35,103,467, A>T on the plus strand (T>A on the coding strand, the complement: RAD51D is on the minus strand). VCF-style: chr17-35103467-A-T. GRCh37 (hg19) VCF-style: chr17-33430486-A-T.
Other names: c.714T>A, p.Gly238= (NM_001142571.2); c.318T>A, p.Gly106= (NM_133629.3).
Identifiers: ClinVar variation 381798 (VCV000381798.5), dbSNP rs1057521173, ClinGen allele CA16607566.